The following is an entry in ClinVar:

NM_182641.4(BPTF):c.610C>T (p.Pro204Ser)

Genes: BPTF (bromodomain PHD finger transcription factor; plus strand), LOC130061496 (ATAC-STARR-seq lymphoblastoid active region 12632; plus strand). Cytogenetic location: 17q24.2.
Variant type: single nucleotide variant.
Coding change: c.610C>T on transcript NM_182641.4 (MANE Select); coding-DNA position 610, C replaced by T.
Protein change: p.Pro204Ser; replaces proline 204 with serine.
Molecular consequence: missense variant.
Genome position (GRCh38, 1-based): chr17:67,826,334, C>T. VCF-style: chr17-67826334-C-T. GRCh37 (hg19) VCF-style: chr17-65822450-C-T.
Other names: c.610C>T, p.Pro204Ser (NM_004459.7); short protein forms P204S.
Identifiers: ClinVar variation 3898972 (VCV003898972.1).

ClinVar aggregate classification (germline): Uncertain significance (1 of 4 stars; one submission).

Submission:

GeneDx
Classification: Uncertain significance. Last evaluated: 2024-11-03. Review status: criteria provided, single submitter. Criteria: GeneDx Variant Classification Process June 2021. Collection method: clinical testing. Allele origin: germline. Affected: yes.
Comment: Not observed at significant frequency in large population cohorts (gnomAD); In silico analysis supports that this missense variant has a deleterious effect on protein structure/function; Has not been previously published as pathogenic or benign to our knowledge